The following is an entry in ClinVar:

ClinVar aggregate classification (germline): Likely pathogenic (1 of 4 stars; one submission).

Conditions:
Pontocerebellar hypoplasia type 9. Identifiers: Orphanet 369920, MedGen C4014354, MONDO:0014351, OMIM 615809.

gnomAD v4.1: 3 of 1,613,318 alleles (0.00019%); highest among the groups gnomAD compares: Non-Finnish European, 0.00025%; no homozygotes.

Submission:

Genetics and Prenatal Diagnosis Center, The First Affiliated Hospital of Zhengzhou University
Classification: Likely pathogenic for Pontocerebellar hypoplasia type 9. Last evaluated: 2021-05-13. Review status: criteria provided, single submitter. Criteria: ACMG Guidelines, 2015. Collection method: clinical testing. Allele origin: germline. Affected: yes.

Literature cited by the submitters: PubMed 23911318.

NM_001368809.2(AMPD2):c.1859G>T (p.Arg620Leu)

Gene: AMPD2 (adenosine monophosphate deaminase 2; plus strand). Cytogenetic location: 1p13.3.
Variant type: single nucleotide variant.
Coding change: c.1859G>T on transcript NM_001368809.2 (MANE Select); coding-DNA position 1859, G replaced by T.
Protein change: p.Arg620Leu; replaces arginine 620 with leucine.
Molecular consequence: missense variant.
Genome position (GRCh38, 1-based): chr1:109,629,487, G>T. VCF-style: chr1-109629487-G-T. GRCh37 (hg19) VCF-style: chr1-110172109-G-T.
Other names: c.1667G>T, p.Arg556Leu (NM_001257361.2); c.1796G>T, p.Arg599Leu (NM_001308170.1); c.1859G>T, p.Arg620Leu (NM_004037.9); c.1778G>T, p.Arg593Leu (NM_139156.4); short protein forms R556L, R593L, R599L, R620L.
Identifiers: ClinVar variation 1098294 (VCV001098294.1), dbSNP rs587777395, ClinGen allele CA993200.
Genomic context (GRCh38, chr1:109,629,487, plus strand): 5'-CACCCTATGCCTACTACCTGTACTACACCTTTGCCAACATGGCCATGTTGAACCACCTGC[G>T]CAGGTGCCTGCACCACCCTGTGTCTGCTTGCTATGCCATCTCTCGCCCAACAAACCTCAC-3'
Protein context (NP_001355738.1, residues 610-630): FANMAMLNHL[Arg620Leu]RQRGFHTFVL